The following is an entry in ClinVar:

ClinVar aggregate classification (germline): Likely pathogenic. Review status: criteria provided, multiple submitters, no conflicts (2 of 4 stars). 2 submissions from 2 submitters: Likely pathogenic (2). Last evaluated 2025-05-13.

Conditions:
Becker muscular dystrophy, Cardiomyopathy, Duchenne muscular dystrophy, Dystrophin deficiency.
Duchenne muscular dystrophy (DMD). Also called: MUSCULAR DYSTROPHY, PSEUDOHYPERTROPHIC PROGRESSIVE, DUCHENNE TYPE; Duchenne Muscular Dystrophy (DMD). Identifiers: Orphanet 98896, MedGen C0013264, MONDO:0010679, OMIM 310200.

Submissions (2):

Natera, Inc.
Classification: Likely pathogenic for Becker muscular dystrophy, Cardiomyopathy, Duchenne muscular dystrophy, Dystrophin deficiency. Last evaluated: 2025-05-13. Review status: criteria provided, single submitter. Criteria: Natera Variant Classification Schema (03/2026). Collection method: clinical testing. Allele origin: germline.
Comment: The c.10224-2A>G variant in DMD is a canonical splice acceptor site variant predicted to affect pre-mRNA splicing, which may result in an abnormal transcript and altered protein product. This variant may result in a truncated or dysfunctional protein product. This variant is rare in the general population with a frequency below the threshold expected for the associated phenotype(s). Another variant at this same site results in an alteration predicted to cause a similar molecular effect has been observed in individual(s) with the associated phenotype. Given the available evidence, this variant is classified as Likely Pathogenic.

Labcorp Genetics (formerly Invitae), Labcorp
Classification: Likely pathogenic for Duchenne muscular dystrophy. Last evaluated: 2023-06-20. Review status: criteria provided, single submitter. Criteria: Invitae Variant Classification Sherloc (09022015). Collection method: clinical testing. Allele origin: germline.
Comment: This sequence change affects an acceptor splice site in intron 70 of the DMD gene. It is expected to disrupt RNA splicing. Variants that disrupt the donor or acceptor splice site typically lead to a loss of protein function (PMID: 16199547), and loss-of-function variants in DMD are known to be pathogenic (PMID: 16770791, 25007885). This variant is not present in population databases (gnomAD no frequency). In summary, the currently available evidence indicates that the variant is pathogenic, but additional data are needed to prove that conclusively. Therefore, this variant has been classified as Likely Pathogenic. Algorithms developed to predict the effect of sequence changes on RNA splicing suggest that this variant may disrupt the consensus splice site. This variant has not been reported in the literature in individuals affected with DMD-related conditions.

Literature cited by the submitters: PubMed 16199547 (cited by Labcorp Genetics (formerly Invitae), Labcorp); PubMed 16770791 (cited by Labcorp Genetics (formerly Invitae), Labcorp); PubMed 25007885 (cited by Labcorp Genetics (formerly Invitae), Labcorp).

NM_004006.3(DMD):c.10224-2A>G

Gene: DMD (dystrophin; minus strand). Cytogenetic location: Xp21.2.
Variant type: single nucleotide variant.
Coding change: c.10224-2A>G on transcript NM_004006.3 (MANE Select); the canonical splice acceptor site of the intron before coding-DNA position 10224, A replaced by G.
Molecular consequence: splice acceptor variant. On other transcripts: intron variant (5).
Genome position (GRCh38, 1-based): chrX:31,177,972, T>C on the plus strand (A>G on the coding strand, the complement: DMD is on the minus strand). VCF-style: chrX-31177972-T-C. GRCh37 (hg19) VCF-style: chrX-31196089-T-C.
Other names: c.10224-2A>G (NM_004006.2); c.10200-2A>G (NM_000109.4); c.6201-2A>G (NM_004011.4); c.6192-2A>G (NM_004012.4); c.2843+697A>G (NM_004023.3, NM_004020.4, NM_004022.3); c.2844-2A>G (NM_004021.3, NM_004013.3); c.2037-2A>G (NM_004014.3); c.1019+697A>G (NM_004018.3, NM_004017.3); and 3 more.
Identifiers: ClinVar variation 2712735 (VCV002712735.5), dbSNP rs2519911698, ClinGen allele CA412652661.